The following is an entry in ClinVar:

NM_032776.3(JMJD1C):c.382G>A (p.Val128Ile)

Gene: JMJD1C (jumonji domain containing 1C; minus strand). Cytogenetic location: 10q21.3.
Variant type: single nucleotide variant.
Coding change: c.382G>A on transcript NM_032776.3 (MANE Select); coding-DNA position 382, G replaced by A.
Protein change: p.Val128Ile; replaces valine 128 with isoleucine.
Molecular consequence: missense variant. On other transcripts: 5 prime UTR variant (5), intron variant (1).
Genome position (GRCh38, 1-based): chr10:63,264,716, C>T on the plus strand (G>A on the coding strand, the complement: JMJD1C is on the minus strand). VCF-style: chr10-63264716-C-T. GRCh37 (hg19) VCF-style: chr10-65024476-C-T.
Other names: c.-165G>A (NM_001282948.2, NM_001318154.2); c.-487G>A (NM_001318153.2); c.-170G>A (NM_001322254.2, NM_001322258.2); c.334-44733G>A (NM_001322252.2); short protein forms V128I.
Identifiers: ClinVar variation 859735 (VCV000859735.1), dbSNP rs779787975, ClinGen allele CA5519048.

ClinVar aggregate classification (germline): Uncertain significance (1 of 4 stars; one submission).

Conditions:
Early Myoclonic Encephalopathy. Identifiers: MedGen C0270855.

Allele frequency attached by ClinVar (database versions not stated): gnomAD exomes below 0.00001; TOPMed below 0.00001; ExAC 0.00001; gnomAD 0.00001.

Submission:

Labcorp Genetics (formerly Invitae), Labcorp
Classification: Uncertain significance for Early myoclonic encephalopathy. Last evaluated: 2019-12-08. Review status: criteria provided, single submitter. Criteria: Invitae Variant Classification Sherloc (09022015). Collection method: clinical testing. Allele origin: germline.
Comment: This sequence change replaces valine with isoleucine at codon 128 of the JMJD1C protein (p.Val128Ile). The valine residue is weakly conserved and there is a small physicochemical difference between valine and isoleucine. This variant is present in population databases (rs779787975, ExAC 0.01%). This variant has not been reported in the literature in individuals with JMJD1C-related conditions. Algorithms developed to predict the effect of missense changes on protein structure and function (SIFT, PolyPhen-2, Align-GVGD) all suggest that this variant is likely to be tolerated, but these predictions have not been confirmed by published functional studies and their clinical significance is uncertain. In summary, the available evidence is currently insufficient to determine the role of this variant in disease. Therefore, it has been classified as a Variant of Uncertain Significance.